The following is an entry in ClinVar:

ClinVar aggregate classification (germline): Uncertain significance. Review status: criteria provided, multiple submitters, no conflicts (2 of 4 stars). 2 submissions from 2 submitters: Uncertain significance (2). Last evaluated 2026-07-09.

Conditions:
Cardiovascular phenotype. Identifiers: MedGen CN230736.
Progressive familial heart block type IB (PFHB1B). Identifiers: Orphanet 871, MedGen C1970298, MONDO:0011474, OMIM 604559.

Allele frequency attached by ClinVar (database versions not stated): gnomAD 0.00001; gnomAD exomes 0.00001.
gnomAD v4.1: 13 of 1,554,724 alleles (0.00084%); highest among the groups gnomAD compares: African/African-American, 0.0027%; no homozygotes.

Submissions (2):

Ambry Genetics
Classification: Uncertain significance for Cardiovascular phenotype. Last evaluated: 2026-07-09. Review status: criteria provided, single submitter. Criteria: Ambry Variant Classification Scheme 2023. Collection method: clinical testing. Allele origin: germline.
Comment: The p.H774P variant (also known as c.2321A>C), located in coding exon 17 of the TRPM4 gene, results from an A to C substitution at nucleotide position 2321. The histidine at codon 774 is replaced by proline, an amino acid with similar properties. This amino acid position is conserved. In addition, this alteration is predicted to be tolerated by in silico analysis. Based on the available evidence, the clinical significance of this variant remains unclear.

Labcorp Genetics (formerly Invitae), Labcorp
Classification: Uncertain significance for Progressive familial heart block type IB. Last evaluated: 2025-07-20. Review status: criteria provided, single submitter. Criteria: Invitae Variant Classification Sherloc (09022015). Collection method: clinical testing. Allele origin: germline.
Comment: This sequence change replaces histidine, which is basic and polar, with proline, which is neutral and non-polar, at codon 774 of the TRPM4 protein (p.His774Pro). This variant is present in population databases (no rsID available, gnomAD 0.002%). This variant has not been reported in the literature in individuals affected with TRPM4-related conditions. ClinVar contains an entry for this variant (Variation ID: 2183931). An algorithm developed to predict the effect of missense changes on protein structure and function (PolyPhen-2) suggests that this variant is likely to be tolerated. In summary, the available evidence is currently insufficient to determine the role of this variant in disease. Therefore, it has been classified as a Variant of Uncertain Significance.

NM_017636.4(TRPM4):c.2321A>C (p.His774Pro)

Gene: TRPM4 (transient receptor potential cation channel subfamily M member 4; plus strand). Cytogenetic location: 19q13.33.
Variant type: single nucleotide variant.
Coding change: c.2321A>C on transcript NM_017636.4 (MANE Select); coding-DNA position 2321, A replaced by C.
Protein change: p.His774Pro; replaces histidine 774 with proline.
Molecular consequence: missense variant. On other transcripts: intron variant (1).
Genome position (GRCh38, 1-based): chr19:49,196,550, A>C. VCF-style: chr19-49196550-A-C. GRCh37 (hg19) VCF-style: chr19-49699807-A-C.
Other names: c.2321A>C (NM_017636.3); c.1976A>C, p.His659Pro (NM_001321281.2); c.713A>C, p.His238Pro (NM_001321282.2); c.1799A>C, p.His600Pro (NM_001321283.2); c.1259A>C, p.His420Pro (NM_001321285.2); c.2211-3750A>C (NM_001195227.2); short protein forms H600P, H659P, H774P, H420P, H238P.
Identifiers: ClinVar variation 2183931 (VCV002183931.5), dbSNP rs893463796, ClinGen allele CA309455100.
Genomic context (GRCh38, chr19:49,196,550, plus strand): 5'-GCCGTCCGGGTTGCTGCGGGGGCCGCTGCGGGGGGCGCCGGTGCCTACGCCGCTGGTTCC[A>C]CTTCTGGGGCGCGCCGGTGACCATCTTCATGGGCAACGTGGTCAGCTACCTGCTGTTCCT-3'
Protein context (NP_060106.2, residues 764-784): GGRRCLRRWF[His774Pro]FWGAPVTIFM